The following is an entry in ClinVar:

NM_001165963.4(SCN1A):c.1548T>C (p.Asp516=)

Gene: SCN1A (sodium voltage-gated channel alpha subunit 1; minus strand). Cytogenetic location: 2q24.3.
Variant type: single nucleotide variant.
Coding change: c.1548T>C on transcript NM_001165963.4 (MANE Select); coding-DNA position 1548, T replaced by C.
Protein change: p.Asp516=; no amino-acid change (aspartic acid 516 retained).
Molecular consequence: synonymous variant. On other transcripts: 5 prime UTR variant (1), non-coding transcript variant (1).
Genome position (GRCh38, 1-based): chr2:166,045,157, A>G on the plus strand (T>C on the coding strand, the complement: SCN1A is on the minus strand). VCF-style: chr2-166045157-A-G. GRCh37 (hg19) VCF-style: chr2-166901667-A-G.
Other names: c.1548T>C, p.Asp516= (NM_001165964.3, NM_001202435.3, NM_001353948.2 and 7 more transcripts); c.1545T>C, p.Asp515= (NM_001353954.2, NM_001353955.2, NM_001353960.2); c.-878T>C (NM_001353961.2).
Identifiers: ClinVar variation 392745 (VCV000392745.52), dbSNP rs1057524611, ClinGen allele CA16603943.

ClinVar aggregate classification (germline): Likely benign. Review status: criteria provided, multiple submitters, no conflicts (2 of 4 stars). 4 submissions from 4 submitters: Likely benign (4). Last evaluated 2025-11-23.

Conditions:
Early-infantile DEE. Also called: Early infantile epileptic encephalopathy; Ohtahara syndrome; Early infantile epileptic encephalopathy with suppression bursts. Identifiers: Orphanet 1934, MedGen C0393706, MONDO:0800491.

Allele frequency attached by ClinVar (database versions not stated): gnomAD exomes below 0.00001.
gnomAD v4.1: 2 of 1,614,014 alleles (0.00012%); highest among the groups gnomAD compares: Non-Finnish European, 0.00017%; no homozygotes.

Submissions (4):

Labcorp Genetics (formerly Invitae), Labcorp
Classification: Likely benign for Early-infantile DEE. Last evaluated: 2025-11-23. Review status: criteria provided, single submitter. Criteria: Invitae Variant Classification Sherloc (09022015). Collection method: clinical testing. Allele origin: germline.

CeGaT Center for Human Genetics Tuebingen
Classification: Likely benign. Last evaluated: 2022-11-01. Review status: criteria provided, single submitter. Criteria: CeGaT Center For Human Genetics Tuebingen Variant Classification Criteria Version 2. Collection method: clinical testing. Allele origin: germline. Affected: yes. Observed: 4 variant alleles.
Comment: SCN1A: PM2:Supporting, BP4, BP7

Blueprint Genetics
Classification: Likely benign. Last evaluated: 2021-09-03. Review status: criteria provided, single submitter. Criteria: ACMG Guidelines, 2015. Collection method: clinical testing. Allele origin: germline.

GeneDx
Classification: Likely benign. Last evaluated: 2017-01-15. Review status: criteria provided, single submitter. Criteria: GeneDx Variant Classification (06012015). Collection method: clinical testing. Allele origin: germline. Affected: yes.
Comment: This variant is considered likely benign or benign based on one or more of the following criteria: it is a conservative change, it occurs at a poorly conserved position in the protein, it is predicted to be benign by multiple in silico algorithms, and/or has population frequency not consistent with disease.